The following is an entry in ClinVar:

NM_005215.4(DCC):c.3540C>T (p.Ile1180=)

Gene: DCC (DCC netrin 1 receptor; plus strand). Cytogenetic location: 18q21.2.
Variant type: single nucleotide variant.
Coding change: c.3540C>T on transcript NM_005215.4 (MANE Select); coding-DNA position 3540, C replaced by T.
Protein change: p.Ile1180=; no amino-acid change (isoleucine 1180 retained).
Molecular consequence: synonymous variant.
Genome position (GRCh38, 1-based): chr18:53,459,379, C>T. VCF-style: chr18-53459379-C-T. GRCh37 (hg19) VCF-style: chr18-50985749-C-T.
Identifiers: ClinVar variation 3053823 (VCV003053823.2), dbSNP rs142960458, ClinGen allele CA8967536.

ClinVar aggregate classification (germline): Likely benign (0 of 4 stars; one submission).

Conditions:
DCC-related disorder. Also called: DCC-related condition.

Allele frequency attached by ClinVar (database versions not stated): ExAC 0.00007; ESP Exome Variant Server 0.00008; gnomAD 0.00015; TOPMed 0.00017.
gnomAD v4.1: 437 of 1,613,922 alleles (0.027%); highest among the groups gnomAD compares: Non-Finnish European, 0.034%; no homozygotes.

Submission:

PreventionGenetics, part of Exact Sciences
Classification: Likely benign for DCC-related condition. Last evaluated: 2019-09-05. Review status: no assertion criteria provided. Collection method: clinical testing. Allele origin: germline.
Comment: This variant is classified as likely benign based on ACMG/AMP sequence variant interpretation guidelines (Richards et al. 2015 PMID: 25741868, with internal and published modifications).